The following is an entry in ClinVar:

NM_005228.5(EGFR):c.2550T>C (p.His850=)

Gene: EGFR (epidermal growth factor receptor; plus strand). Cytogenetic location: 7p11.2.
Variant type: single nucleotide variant.
Coding change: c.2550T>C on transcript NM_005228.5 (MANE Select); coding-DNA position 2550, T replaced by C.
Protein change: p.His850=; no amino-acid change (histidine 850 retained).
Molecular consequence: synonymous variant.
Genome position (GRCh38, 1-based): chr7:55,191,799, T>C. VCF-style: chr7-55191799-T-C. GRCh37 (hg19) VCF-style: chr7-55259492-T-C.
Other names: c.2415T>C, p.His805= (NM_001346897.2, NM_001346899.2); c.2550T>C, p.His850= (NM_001346898.2); c.2391T>C, p.His797= (NM_001346900.2); c.1749T>C, p.His583= (NM_001346941.2); c.2550T>C (NM_005228.3).
Identifiers: ClinVar variation 1592242 (VCV001592242.10), dbSNP rs1787408230, ClinGen allele CA454965633.
Genomic context (GRCh38, chr7:55,191,799, plus strand): 5'-CCGTCGCTTGGTGCACCGCGACCTGGCAGCCAGGAACGTACTGGTGAAAACACCGCAGCA[T>C]GTCAAGATCACAGATTTTGGGCTGGCCAAACTGCTGGGTGCGGAAGAGAAAGAATACCAT-3'
Protein context (NP_005219.2, residues 840-860): ARNVLVKTPQ[His850=]VKITDFGLAK

ClinVar aggregate classification (germline): Benign/Likely benign. Review status: criteria provided, multiple submitters, no conflicts (2 of 4 stars). 3 submissions from 3 submitters: Benign (1); Likely benign (2). Last evaluated 2025-07-14.

Conditions:
Lung cancer. Also called: Malignant tumor of lung; Lung cancer, somatic. Identifiers: MedGen C0242379, MONDO:0008903, OMIM 211980.
EGFR-related lung cancer (EGFR). Identifiers: MedGen CN130014.
Hereditary cancer-predisposing syndrome. Also called: Tumor predisposition; Hereditary neoplastic syndrome; Neoplastic Syndromes, Hereditary; Hereditary Cancer Syndrome. Identifiers: Orphanet 140162, MedGen C0027672, MeSH D009386, MONDO:0015356.

Allele frequency attached by ClinVar (database versions not stated): gnomAD exomes below 0.00001; gnomAD 0.00001.

Submissions (3):

Labcorp Genetics (formerly Invitae), Labcorp
Classification: Likely benign for EGFR-related lung cancer. Last evaluated: 2025-07-14. Review status: criteria provided, single submitter. Criteria: Invitae Variant Classification Sherloc (09022015). Collection method: clinical testing. Allele origin: germline.

Ambry Genetics
Classification: Likely benign for Hereditary cancer-predisposing syndrome. Last evaluated: 2025-06-28. Review status: criteria provided, single submitter. Criteria: Ambry Variant Classification Scheme 2023. Collection method: clinical testing. Allele origin: germline.

Myriad Genetics, Inc.
Classification: Benign for Lung cancer. Last evaluated: 2024-10-17. Review status: criteria provided, single submitter. Criteria: Myriad Autosomal Dominant, Autosomal Recessive and X-Linked Classification Criteria (2023). Collection method: clinical testing. Allele origin: unknown.
Comment: This variant is considered benign. This variant is a silent/synonymous amino acid change and it is not expected to impact splicing.